The following is an entry in ClinVar:

ClinVar aggregate classification (germline): Uncertain significance (1 of 4 stars; one submission).

Submission:

GeneDx
Classification: Uncertain significance. Last evaluated: 2024-01-26. Review status: criteria provided, single submitter. Criteria: GeneDx Variant Classification Process June 2021. Collection method: clinical testing. Allele origin: germline. Affected: yes.
Comment: Not observed at significant frequency in large population cohorts (gnomAD); In silico analysis supports that this missense variant has a deleterious effect on protein structure/function; Has not been previously published as pathogenic or benign to our knowledge

NM_001148.6(ANK2):c.2132C>T (p.Ala711Val)

Gene: ANK2 (ankyrin 2; plus strand). Cytogenetic location: 4q26.
Variant type: single nucleotide variant.
Coding change: c.2132C>T on transcript NM_001148.6 (MANE Select); coding-DNA position 2132, C replaced by T.
Protein change: p.Ala711Val; replaces alanine 711 with valine.
Molecular consequence: missense variant.
Genome position (GRCh38, 1-based): chr4:113,287,657, C>T. VCF-style: chr4-113287657-C-T. GRCh37 (hg19) VCF-style: chr4-114208813-C-T.
Other names: c.2069C>T, p.Ala690Val (NM_001127493.3, NM_001354239.2, NM_001354243.2 and 10 more transcripts); c.2132C>T, p.Ala711Val (NM_001354225.2, NM_001354228.2, NM_001354232.2 and 6 more transcripts); c.2177C>T, p.Ala726Val (NM_001354230.2, NM_001354231.2, NM_001354237.2 and 5 more transcripts); c.2033C>T, p.Ala678Val (NM_001354245.2, NM_001354268.2); c.2045C>T, p.Ala682Val (NM_001354249.2, NM_001354264.2, NM_001354266.2 and 10 more transcripts); c.1970C>T, p.Ala657Val (NM_001354253.2, NM_001354257.2, NM_001354270.2 and 1 more transcripts); c.1946C>T, p.Ala649Val (NM_001354260.2, NM_001354271.2, NM_001386151.1); c.2090C>T, p.Ala697Val (NM_001354261.2, NM_001386147.1, NM_001386160.1); and 8 more; short protein forms A583V, A616V, A641V, A645V, A649V, A657V, A678V, A682V.
Identifiers: ClinVar variation 3368377 (VCV003368377.1).
Genomic context (GRCh38, chr4:113,287,657, plus strand): 5'-TTCTGTAGAGTGGACTCACATCCTTACACCTTGCAGCCCAGGAAGATAAAGTGAATGTTG[C>T]TGATATTCTCACCAAGCATGGAGCTGATCAGGATGCTCATACAAAGGTAAAGCAAATCAC-3'
Protein context (NP_001139.3, residues 701-721): LAAQEDKVNV[Ala711Val]DILTKHGADQ